The following is an entry in ClinVar:

NM_020987.5(ANK3):c.4907G>A (p.Arg1636Lys)

Gene: ANK3 (ankyrin 3; minus strand). Cytogenetic location: 10q21.2.
Variant type: single nucleotide variant.
Coding change: c.4907G>A on transcript NM_020987.5 (MANE Select); coding-DNA position 4907, G replaced by A.
Protein change: p.Arg1636Lys; replaces arginine 1636 with lysine.
Molecular consequence: missense variant. On other transcripts: intron variant (4).
Genome position (GRCh38, 1-based): chr10:60,075,974, C>T on the plus strand (G>A on the coding strand, the complement: ANK3 is on the minus strand). VCF-style: chr10-60075974-C-T. GRCh37 (hg19) VCF-style: chr10-61835732-C-T.
Other names: c.4387+4563G>A (NM_001204403.2); c.4408+4563G>A (NM_001204404.2); c.4405+4563G>A (NM_001320874.2); c.1807+4563G>A (NM_001149.4); short protein forms R1636K.
Identifiers: ClinVar variation 434169 (VCV000434169.16), dbSNP rs188159332, ClinGen allele CA5512089.
Genomic context (GRCh38, chr10:60,075,974, plus strand): 5'-GAGGAATACATATTAATGTTTGATTTGGGGGAGGCAGGGGGTGTCATAGTAATTGATGAC[C>T]TCTCCAAAAGAGACCCTGCTGTAGTCACTGGAGAGGTTCGAGAGGAAAACGTAGAATTGG-3'
Protein context (NP_066267.2, residues 1626-1646): PVTTAGSLLE[Arg1636Lys]SSITMTPPAS

ClinVar aggregate classification (germline): Conflicting classifications of pathogenicity. Review status: criteria provided, conflicting classifications (1 of 4 stars). 4 submissions from 4 submitters: Uncertain significance (2); Likely benign (1). 1 of the submissions does not count toward it. Last evaluated 2024-02-17.

Conditions:
ANK3-related disorder. Also called: ANK3-related condition.
Intellectual developmental disorder, autosomal recessive 37. Also called: Intellectual disability-hypotonia-spasticity-sleep disorder syndrome. Identifiers: Orphanet 356996, MedGen C3809672, MONDO:0014210, OMIM 615493.

Allele frequency attached by ClinVar (database versions not stated): ExAC 0.00044; 1000 Genomes Project 0.00180; gnomAD 0.00025 and 0.00017; gnomAD exomes 0.00051 and 0.00016; 1000 Genomes Project 30x 0.00172; TOPMed 0.00028.
gnomAD v4.1: 289 of 1,614,102 alleles (0.018%); highest among the groups gnomAD compares: East Asian, 0.54%; 1 homozygote.

Submissions (4):

Labcorp Genetics (formerly Invitae), Labcorp
Classification: Likely benign. Last evaluated: 2024-02-17. Review status: criteria provided, single submitter. Criteria: Invitae Variant Classification Sherloc (09022015). Collection method: clinical testing. Allele origin: germline.

Baylor Genetics
Classification: Uncertain significance for Intellectual developmental disorder, autosomal recessive 37. Last evaluated: 2023-03-31. Review status: criteria provided, single submitter. Criteria: ACMG Guidelines, 2015. Collection method: clinical testing. Allele origin: unknown.

Genetic Services Laboratory, University of Chicago
Classification: Uncertain significance. Last evaluated: 2016-08-22. Review status: criteria provided, single submitter. Criteria: ACMG Guidelines, 2015. Collection method: clinical testing. Allele origin: germline. Affected: no.

PreventionGenetics, part of Exact Sciences
Classification: Likely benign for ANK3-related condition. Last evaluated: 2019-06-24. Review status: no assertion criteria provided. Collection method: clinical testing. Allele origin: germline. Not counted in ClinVar's aggregate classification.
Comment: This variant is classified as likely benign based on ACMG/AMP sequence variant interpretation guidelines (Richards et al. 2015 PMID: 25741868, with internal and published modifications).